The following is an entry in ClinVar:

NM_001243133.2(NLRP3):c.1A>G (p.Met1Val)

Gene: NLRP3 (NLR family pyrin domain containing 3; plus strand). Cytogenetic location: 1q44.
Variant type: single nucleotide variant.
Coding change: c.1A>G on transcript NM_001243133.2 (MANE Select); coding-DNA position 1, A replaced by G.
Protein change: p.Met1Val; changes the start codon (methionine 1).
Molecular consequence: missense variant, initiator codon variant.
Genome position (GRCh38, 1-based): chr1:247,418,801, A>G. VCF-style: chr1-247418801-A-G. GRCh37 (hg19) VCF-style: chr1-247582103-A-G.
Other names: c.1A>G, p.Met1Val (NM_001079821.3, NM_001127461.3, NM_001127462.3 and 1 more transcripts); c.7A>G, p.Met3Val (NM_004895.5); short protein forms M1V, M3V.
Identifiers: ClinVar variation 4881662 (VCV004881662.2).

ClinVar aggregate classification (germline): Uncertain significance (1 of 4 stars; one submission).

Submission:

Dasa
Classification: Uncertain significance. Last evaluated: 2026-02-24. Review status: criteria provided, single submitter. Criteria: DASA Assertion Criteria. Collection method: clinical testing. Allele origin: germline.
Comment: NM_001243133.2(NLRP3):c.1A>G (p.Met1?) is a start-loss variant predicted to alter the translation initiation codon and impair normal protein translation. This variant is rare in population databases. The currently available literature and clinical evidence are not sufficient to establish a definitive association between this variant and the reported condition. Therefore, this variant is classified as a variant of uncertain significance.